The following is an entry in ClinVar:

NM_000202.8(IDS):c.260G>C (p.Ser87Thr)

Gene: IDS (iduronate 2-sulfatase; minus strand). Cytogenetic location: Xq28.
Variant type: single nucleotide variant.
Coding change: c.260G>C on transcript NM_000202.8 (MANE Select); coding-DNA position 260, G replaced by C.
Protein change: p.Ser87Thr; replaces serine 87 with threonine.
Molecular consequence: missense variant. On other transcripts: non-coding transcript variant (1), intron variant (1).
Genome position (GRCh38, 1-based): chrX:149,503,470, C>G on the plus strand (G>C on the coding strand, the complement: IDS is on the minus strand). VCF-style: chrX-149503470-C-G. GRCh37 (hg19) VCF-style: chrX-148585000-C-G.
Other names: c.260G>C, p.Ser87Thr (NM_006123.5); c.15-25G>C (NM_001166550.4); short protein forms S87T.
Identifiers: ClinVar variation 3255638 (VCV003255638.2).
Genomic context (GRCh38, chrX:149,503,470, plus strand): 5'-GAGTTGAAGTCGTACAGGCGGGTGGTGTCAGGTCTCCTGCCAGTGAGGAAAGAAACGCGG[C>G]TCGGGGCGCACACTGCTTGCTGTTAGGGAGCAGAAGCAGAGGTAAGCATCGCCACAGCAA-3'
Protein context (NP_000193.1, residues 77-97): AFAQQAVCAP[Ser87Thr]RVSFLTGRRP

ClinVar aggregate classification (germline): Pathogenic (1 of 4 stars; one submission).

Conditions:
Mucopolysaccharidosis, MPS-II (MPS2). Also called: Hunter Syndrome; IDURONATE 2-SULFATASE DEFICIENCY; Mucopolysaccharidosis Type II; Mucopolysaccharidosis type 2; Attenuated MPS (subtype; formerly known as mild MPS II); Severe MPS II. Identifiers: Orphanet 580, Orphanet 79388, MedGen C0026705, MONDO:0010674, OMIM 309900.

Submission:

Laboratory of Diagnosis and Therapy of Lysosomal Disorders, University of Padova
Classification: Pathogenic for Mucopolysaccharidosis, MPS-II. Last evaluated: 2024-06-07. Review status: criteria provided, single submitter. Criteria: ACMG Guidelines, 2015. Collection method: literature only. Allele origin: germline. Affected: yes. Observed: 1 variant allele.
Comment: Absent from controls (or at low frequency) in gnomAD database (PM2_Moderate), Missense change at the same amino acid residue as a pathogenic variant (PM5_Moderate), Missense variant in a gene with a low rate of benign missense variation (PP2_Supporting), Multiple lines of computational evidence support a deleterious effect (PP3_Supporting), Patient’s phenotype or family history highly specific for the disease (PP4_Strong)

Classification method: ACMG Guidelines [PMID:25741868] with modifications

Literature cited by the submitters: PubMed 36713083.